The following is an entry in ClinVar:

ClinVar aggregate classification (germline): Uncertain significance (1 of 4 stars; one submission).

Conditions:
CHARGE syndrome (CHARGE). Also called: Hittner Hirsch Kreh syndrome; Coloboma, heart anomaly, choanal atresia, retardation, genital and ear anomalies; CHARGE association; Hall-Hittner syndrome; CHARGE ASSOCIATION--COLOBOMA, HEART ANOMALY, CHOANAL ATRESIA, RETARDATION, GENITAL AND EAR ANOMALIES. Identifiers: Orphanet 138, MedGen C0265354, MONDO:0008965.

Submission:

Labcorp Genetics (formerly Invitae), Labcorp
Classification: Uncertain significance for CHARGE syndrome. Last evaluated: 2021-09-01. Review status: criteria provided, single submitter. Criteria: Invitae Variant Classification Sherloc (09022015). Collection method: clinical testing. Allele origin: germline.
Comment: This sequence change replaces arginine with tryptophan at codon 2401 of the CHD7 protein (p.Arg2401Trp). The arginine residue is highly conserved and there is a moderate physicochemical difference between arginine and tryptophan. This variant is not present in population databases (ExAC no frequency). This variant has not been reported in the literature in individuals affected with CHD7-related conditions. Algorithms developed to predict the effect of missense changes on protein structure and function (SIFT, PolyPhen-2, Align-GVGD) all suggest that this variant is likely to be disruptive. In summary, the available evidence is currently insufficient to determine the role of this variant in disease. Therefore, it has been classified as a Variant of Uncertain Significance.

NM_017780.4(CHD7):c.7201A>T (p.Arg2401Trp)

Gene: CHD7 (chromodomain helicase DNA binding protein 7; plus strand). Cytogenetic location: 8q12.2.
Variant type: single nucleotide variant.
Coding change: c.7201A>T on transcript NM_017780.4 (MANE Select); coding-DNA position 7201, A replaced by T.
Protein change: p.Arg2401Trp; replaces arginine 2401 with tryptophan.
Molecular consequence: missense variant. On other transcripts: intron variant (1).
Genome position (GRCh38, 1-based): chr8:60,856,481, A>T. VCF-style: chr8-60856481-A-T. GRCh37 (hg19) VCF-style: chr8-61769040-A-T.
Other names: c.1717-5748A>T (NM_001316690.1); short protein forms R2401W.
Identifiers: ClinVar variation 963065 (VCV000963065.4), dbSNP rs1805714852, ClinGen allele CA371299905.